The following is an entry in ClinVar:

ClinVar aggregate classification (germline): Uncertain significance. Review status: criteria provided, multiple submitters, no conflicts (2 of 4 stars). 5 submissions from 5 submitters: Uncertain significance (5). Last evaluated 2026-03-13.

Conditions:
Ullrich congenital muscular dystrophy 2 (UCMD2). Identifiers: Orphanet 75840, MedGen C4225314, MONDO:0014654, OMIM 616470.
Bethlem myopathy 2 (BTHLM2). Identifiers: Orphanet 536516, Orphanet 610, MedGen C4225313, MONDO:0034022, OMIM 616471.

Allele frequency attached by ClinVar (database versions not stated): gnomAD exomes below 0.00001; TOPMed below 0.00001; gnomAD 0.00001.
gnomAD v4.1: 3 of 1,604,954 alleles (0.00019%); highest among the groups gnomAD compares: Non-Finnish European, 0.00026%; no homozygotes.

Submissions (5):

Women's Health and Genetics/Laboratory Corporation of America, LabCorp
Classification: Uncertain significance. Last evaluated: 2026-03-13. Review status: criteria provided, single submitter. Criteria: LabCorp Variant Classification Summary - May 2015. Collection method: clinical testing. Allele origin: germline.
Comment: Variant summary: COL12A1 c.6473C>T (p.Pro2158Leu) results in a non-conservative amino acid change in the encoded protein sequence. Algorithms developed to predict the effect of missense changes on protein structure and function are either unavailable or do not agree on the potential impact of this missense change. The variant was absent in 238338 control chromosomes. The available data on variant occurrences in the general population are insufficient to allow any conclusion about variant significance. To our knowledge, no occurrence of c.6473C>T in individuals affected with COL12A1-related conditions and no experimental evidence demonstrating its impact on protein function have been reported. ClinVar contains an entry for this variant (Variation ID: 1183764). Based on the evidence outlined above, the variant was classified as uncertain significance.

Labcorp Genetics (formerly Invitae), Labcorp
Classification: Uncertain significance for Bethlem myopathy 2; Ullrich congenital muscular dystrophy 2. Last evaluated: 2025-02-24. Review status: criteria provided, single submitter. Criteria: Invitae Variant Classification Sherloc (09022015). Collection method: clinical testing. Allele origin: germline.
Comment: This sequence change replaces proline, which is neutral and non-polar, with leucine, which is neutral and non-polar, at codon 2158 of the COL12A1 protein (p.Pro2158Leu). This variant is not present in population databases (gnomAD no frequency). This variant has not been reported in the literature in individuals affected with COL12A1-related conditions. ClinVar contains an entry for this variant (Variation ID: 1183764). Invitae Evidence Modeling of protein sequence and biophysical properties (such as structural, functional, and spatial information, amino acid conservation, physicochemical variation, residue mobility, and thermodynamic stability) indicates that this missense variant is not expected to disrupt COL12A1 protein function with a negative predictive value of 80%. In summary, the available evidence is currently insufficient to determine the role of this variant in disease. Therefore, it has been classified as a Variant of Uncertain Significance.

Greenwood Genetic Center Diagnostic Laboratories, Greenwood Genetic Center
Classification: Uncertain significance. Last evaluated: 2024-09-09. Review status: criteria provided, single submitter. Criteria: ACMG Guidelines, 2015. Collection method: clinical testing. Allele origin: germline. Affected: yes.
Comment: PM2, BP4

CeGaT Center for Human Genetics Tuebingen
Classification: Uncertain significance. Last evaluated: 2023-06-01. Review status: criteria provided, single submitter. Criteria: CeGaT Center For Human Genetics Tuebingen Variant Classification Criteria Version 2. Collection method: clinical testing. Allele origin: germline. Affected: yes. Observed: 1 variant allele.
Comment: COL12A1: PM2

GeneDx
Classification: Uncertain significance. Last evaluated: 2019-08-02. Review status: criteria provided, single submitter. Criteria: GeneDx Variant Classification Process June 2021. Collection method: clinical testing. Allele origin: germline. Affected: yes.
Comment: Has not been previously published as pathogenic or benign to our knowledge; Not observed in large population cohorts (Lek et al., 2016); In silico analysis, which includes protein predictors and evolutionary conservation, supports a deleterious effect

NM_004370.6(COL12A1):c.6473C>T (p.Pro2158Leu)

Gene: COL12A1 (collagen type XII alpha 1 chain; minus strand). Cytogenetic location: 6q13.
Variant type: single nucleotide variant.
Coding change: c.6473C>T on transcript NM_004370.6 (MANE Select); coding-DNA position 6473, C replaced by T.
Protein change: p.Pro2158Leu; replaces proline 2158 with leucine.
Molecular consequence: missense variant.
Genome position (GRCh38, 1-based): chr6:75,125,261, G>A on the plus strand (C>T on the coding strand, the complement: COL12A1 is on the minus strand). VCF-style: chr6-75125261-G-A. GRCh37 (hg19) VCF-style: chr6-75834977-G-A.
Other names: c.2981C>T, p.Pro994Leu (NM_080645.3); short protein forms P2158L, P994L.
Identifiers: ClinVar variation 1183764 (VCV001183764.34), dbSNP rs1467078008, ClinGen allele CA364729552.